The following is an entry in ClinVar:

NM_144643.4(SCLT1):c.746C>A (p.Thr249Asn)

Gene: SCLT1 (sodium channel and clathrin linker 1; minus strand). Cytogenetic location: 4q28.2.
Variant type: single nucleotide variant.
Coding change: c.746C>A on transcript NM_144643.4 (MANE Select); coding-DNA position 746, C replaced by A.
Protein change: p.Thr249Asn; replaces threonine 249 with asparagine.
Molecular consequence: missense variant.
Genome position (GRCh38, 1-based): chr4:128,970,409, G>T on the plus strand (C>A on the coding strand, the complement: SCLT1 is on the minus strand). VCF-style: chr4-128970409-G-T. GRCh37 (hg19) VCF-style: chr4-129891564-G-T.
Other names: c.746C>A, p.Thr249Asn (NM_001410807.1); short protein forms T249N.
Identifiers: ClinVar variation 4980597 (VCV004980597.1).

ClinVar aggregate classification (germline): Uncertain significance (1 of 4 stars; one submission).

Conditions:
SCLT1-related disorder. Also called: SCLT1-related condition.

gnomAD v4.1: 26 of 1,606,462 alleles (0.0016%); highest among the groups gnomAD compares: Non-Finnish European, 0.002%; no homozygotes.

Submission:

PreventionGenetics, part of Exact Sciences
Classification: Uncertain significance for SCLT1-related condition. Last evaluated: 2024-12-05. Review status: criteria provided, single submitter. Criteria: ACMG Guidelines, 2015. Collection method: clinical testing. Allele origin: germline.
Comment: The SCLT1 c.746C>A variant is predicted to result in the amino acid substitution p.Thr249Asn. To our knowledge, this variant has not been reported in the literature. This variant is reported in 0.0023% of alleles in individuals of European (Non-Finnish) descent in gnomAD. At this time, the clinical significance of this variant is uncertain due to the absence of conclusive functional and genetic evidence.